The following is an entry in ClinVar:

NM_001283009.2(RTEL1):c.1830C>T (p.Ala610=)

Genes: RTEL1 (regulator of telomere elongation helicase 1; plus strand), RTEL1-TNFRSF6B (RTEL1-TNFRSF6B readthrough (NMD candidate); plus strand). Cytogenetic location: 20q13.33.
Variant type: single nucleotide variant.
Coding change: c.1830C>T on transcript NM_001283009.2 (MANE Select); coding-DNA position 1830, C replaced by T.
Protein change: p.Ala610=; no amino-acid change (alanine 610 retained).
Molecular consequence: synonymous variant. On other transcripts: non-coding transcript variant (1).
Genome position (GRCh38, 1-based): chr20:63,689,084, C>T. VCF-style: chr20-63689084-C-T. GRCh37 (hg19) VCF-style: chr20-62320437-C-T.
Other names: c.1161C>T, p.Ala387= (NM_001283010.1); c.1830C>T, p.Ala610= (NM_016434.4); c.1902C>T, p.Ala634= (NM_032957.5).
Identifiers: ClinVar variation 540946 (VCV000540946.15), dbSNP rs140738232, ClinGen allele CA9965028.

ClinVar aggregate classification (germline): Benign/Likely benign. Review status: criteria provided, multiple submitters, no conflicts (2 of 4 stars). 4 submissions from 4 submitters: Benign (1); Likely benign (3). Last evaluated 2026-02-02.

Conditions:
Dyskeratosis congenita, autosomal recessive 5 (DKCB5). Identifiers: MedGen C3554656, MONDO:0014076, OMIM 615190.
Pulmonary fibrosis and/or bone marrow failure, Telomere-related, 3. Also called: PULMONARY FIBROSIS AND/OR BONE MARROW FAILURE SYNDROME, TELOMERE-RELATED, 3. Identifiers: Orphanet 2032, MedGen C4225346, MONDO:0014613, OMIM 616373.
Inborn genetic diseases. Identifiers: MedGen C0950123, MeSH D030342.
RTEL1-related disorder. Also called: RTEL1-related disorders; RTEL1-related condition.
Dyskeratosis congenita. Identifiers: Orphanet 1775, MedGen C0265965, MONDO:0015780.

Allele frequency attached by ClinVar (database versions not stated): gnomAD exomes 0.00007 and 0.00017; TOPMed 0.00014; ExAC 0.00015; gnomAD 0.00015 and 0.00016; ESP Exome Variant Server 0.00023.
gnomAD v4.1: 134 of 1,610,830 alleles (0.0083%); highest among the groups gnomAD compares: Middle Eastern, 0.016%; no homozygotes.

Submissions (4):

Labcorp Genetics (formerly Invitae), Labcorp
Classification: Benign for Dyskeratosis congenita, autosomal recessive 5; Pulmonary fibrosis and/or bone marrow failure, Telomere-related, 3. Last evaluated: 2026-02-02. Review status: criteria provided, single submitter. Criteria: Invitae Variant Classification Sherloc (09022015). Collection method: clinical testing. Allele origin: germline.

PreventionGenetics, part of Exact Sciences
Classification: Likely benign for RTEL1-related condition. Last evaluated: 2024-12-05. Review status: criteria provided, single submitter. Criteria: ACMG Guidelines, 2015. Collection method: clinical testing. Allele origin: germline.
Comment: This variant is classified as likely benign based on ACMG/AMP sequence variant interpretation guidelines (Richards et al. 2015 PMID: 25741868, with internal and published modifications).

Ambry Genetics
Classification: Likely benign for Inborn genetic diseases. Last evaluated: 2024-06-09. Review status: criteria provided, single submitter. Criteria: Ambry Variant Classification Scheme 2023. Collection method: clinical testing. Allele origin: germline.

Sema4
Classification: Likely benign for Dyskeratosis congenita. Last evaluated: 2021-01-26. Review status: criteria provided, single submitter. Criteria: Sema4 Curation Guidelines. Collection method: curation. Allele origin: germline.